The following is an entry in ClinVar:

NM_003000.3(SDHB):c.111_112dup (p.Arg38fs)

Gene: SDHB (succinate dehydrogenase complex iron sulfur subunit B; minus strand). Cytogenetic location: 1p36.13.
Variant type: Duplication.
Coding change: c.111_112dup on transcript NM_003000.3 (MANE Select); coding-DNA positions 111 to 112, 2 bases duplicated (CC; older notation c.111_112dupCC).
Protein change: p.Arg38fs; shifts the reading frame from arginine 38.
Molecular consequence: frameshift variant.
Genome position (GRCh38, 1-based): chr1:17,044,849-17,044,850, GG duplicated on the plus strand (CC on the coding strand, the reverse complement: SDHB is on the minus strand); duplicating any 2 consecutive bases within chr1:17,044,849-17,044,852 gives the same sequence; the c. name uses the placement nearest the transcript's 3' end. VCF-style (leftmost placement, unchanged base first): chr1-17044848-C-CGG. GRCh37 (hg19) VCF-style: chr1-17371343-C-CGG.
Other names: c.111_112dup (NM_003000.2); c.111_112dupCC (NM_003000.2); short protein forms R38fs.
Identifiers: ClinVar variation 94093 (VCV000094093.18), dbSNP rs398123690, ClinGen allele CA221957.

ClinVar aggregate classification (germline): Pathogenic. Review status: criteria provided, multiple submitters, no conflicts (2 of 4 stars). 5 submissions from 5 submitters: Pathogenic (4). 1 of the submissions does not count toward it. Last evaluated 2026-04-02.

Conditions:
Pheochromocytoma/paraganglioma syndrome 4. Also called: SDHB-Related Hereditary Paraganglioma-Pheochromocytoma Syndrome (Paragangliomas 4); SDHB-Related Hereditary Paraganglioma-Pheochromocytoma Syndrome; Paragangliomas 4; PARAGANGLIOMA, FAMILIAL MALIGNANT; PARAGANGLIOMAS, HEREDITARY EXTRAADRENAL; PHEOCHROMOCYTOMA, FAMILIAL EXTRAADRENAL. Identifiers: Orphanet 29072, MedGen C1861848, MONDO:0007273, OMIM 115310.
Hereditary cancer-predisposing syndrome. Also called: Tumor predisposition; Hereditary Cancer Syndrome; Neoplastic Syndromes, Hereditary; Hereditary neoplastic syndrome. Identifiers: Orphanet 140162, MedGen C0027672, MeSH D009386, MONDO:0015356.
Gastrointestinal stromal tumor. Also called: Gastrointestinal stroma tumor; Gastrointestinal stromal tumor, somatic. Identifiers: Orphanet 44890, MedGen C0238198, MeSH D046152, MONDO:0011719, OMIM 606764, HP:0100723.
Pheochromocytoma. Also called: MAX-Related Hereditary Paraganglioma-Pheochromocytoma Syndrome. Identifiers: Orphanet 29072, MedGen C0031511, MONDO:0008233, OMIM 171300, HP:0002666.

Submissions (5):

GeneDx
Classification: Pathogenic. Last evaluated: 2026-04-02. Review status: criteria provided, single submitter. Criteria: GeneDx Variant Classification Process June 2021. Collection method: clinical testing. Allele origin: germline.
Comment: Frameshift variant predicted to result in protein truncation or nonsense mediated decay in a gene for which loss of function is a known mechanism of disease; Not observed at significant frequency in large population cohorts (gnomAD); This variant is associated with the following publications: (PMID: 19802898, 23757202, 34308104, 19454582, 20418362, 39184053)

Labcorp Genetics (formerly Invitae), Labcorp
Classification: Pathogenic for Gastrointestinal stromal tumor; Pheochromocytoma/paraganglioma syndrome 4; Pheochromocytoma. Last evaluated: 2025-07-31. Review status: criteria provided, single submitter. Criteria: Invitae Variant Classification Sherloc (09022015). Collection method: clinical testing. Allele origin: germline.
Comment: This sequence change creates a premature translational stop signal (p.Arg38Profs*40) in the SDHB gene. It is expected to result in an absent or disrupted protein product. Loss-of-function variants in SDHB are known to be pathogenic (PMID: 19454582, 19802898). This variant is not present in population databases (gnomAD no frequency). This premature translational stop signal has been observed in individual(s) with organ of Zuckerkandl paragangliomas (PMID: 20418362). ClinVar contains an entry for this variant (Variation ID: 94093). For these reasons, this variant has been classified as Pathogenic.

3billion
Classification: Pathogenic for Pheochromocytoma/paraganglioma syndrome 4. Last evaluated: 2025-03-18. Review status: criteria provided, single submitter. Criteria: ACMG Guidelines, 2015. Collection method: clinical testing. Allele origin: germline. Affected: yes.
Comment: The variant is not observed in the gnomAD v4.1.0 dataset. Predicted Consequence/Location: Frameshift: predicted to result in a loss or disruption of normal protein function through nonsense-mediated decay (NMD) or protein truncation. Multiple pathogenic variants are reported downstream of the variant. The variant has been reported at least twice as pathogenic without evidence for the classification (ClinVar ID: VCV000094093). Therefore, this variant is classified as Pathogenic according to the recommendation of ACMG/AMP guideline.

Ambry Genetics
Classification: Pathogenic for Hereditary cancer-predisposing syndrome. Last evaluated: 2023-01-13. Review status: criteria provided, single submitter. Criteria: Ambry Variant Classification Scheme 2023. Collection method: clinical testing. Allele origin: germline.
Comment: The c.111_112dupCC pathogenic mutation, located in coding exon 2 of the SDHB gene, results from a duplication of CC at nucleotide position 111, causing a translational frameshift with a predicted alternate stop codon (p.R38Pfs*40). This alteration has been observed in multiple individuals with a paraganglioma (Ambry internal data). This variant is considered to be rare based on population cohorts in the Genome Aggregation Database (gnomAD). This alteration is expected to result in loss of function by premature protein truncation or nonsense-mediated mRNA decay. As such, this alteration is interpreted as a disease-causing mutation.

Eurofins Ntd Llc (ga)
Classification: Pathogenic. Last evaluated: 2013-09-06. Review status: no assertion criteria provided. Collection method: clinical testing. Allele origin: germline. Observed: 1 variant allele, 1 heterozygote. Not counted in ClinVar's aggregate classification.

Literature cited by the submitters: PubMed 19454582 (cited by Labcorp Genetics (formerly Invitae), Labcorp); PubMed 19802898 (cited by Labcorp Genetics (formerly Invitae), Labcorp); PubMed 20418362 (cited by Labcorp Genetics (formerly Invitae), Labcorp); PubMed 23757202 (cited by Eurofins Ntd Llc (ga)).